The following is an entry in ClinVar:

ClinVar aggregate classification (germline): Benign/Likely benign. Review status: criteria provided, multiple submitters, no conflicts (2 of 4 stars). 7 submissions from 7 submitters: Benign (5); Likely benign (1). 1 of the submissions does not count toward it. Last evaluated 2026-02-04.

Conditions:
Hermansky-Pudlak syndrome 3 (HPS3). Identifiers: Orphanet 231512, Orphanet 79430, MedGen C3888001, MONDO:0013555, OMIM 614072.
Hermansky-Pudlak syndrome (HPS). Also called: ALBINISM WITH HEMORRHAGIC DIATHESIS AND PIGMENTED RETICULOENDOTHELIAL CELLS. Identifiers: Orphanet 79430, MedGen C0079504, MONDO:0019312.

Allele frequency attached by ClinVar (database versions not stated): 1000 Genomes Project 0.00379; 1000 Genomes Project 30x 0.00406; TOPMed 0.00949; ExAC 0.00956; gnomAD exomes 0.00967 and 0.01503; gnomAD 0.01022 and 0.01058; ESP Exome Variant Server 0.01192.
gnomAD v4.1: 23,367 of 1,613,918 alleles (1.4%); highest among the groups gnomAD compares: Non-Finnish European, 1.8%; 223 homozygotes.

Submissions (7):

Labcorp Genetics (formerly Invitae), Labcorp
Classification: Benign. Last evaluated: 2026-02-04. Review status: criteria provided, single submitter. Criteria: Invitae Variant Classification Sherloc (09022015). Collection method: clinical testing. Allele origin: germline.

Mayo Clinic Laboratories, Mayo Clinic
Classification: Benign. Last evaluated: 2025-09-02. Review status: criteria provided, single submitter. Criteria: ACMG Guidelines, 2015. Collection method: clinical testing. Allele origin: germline. Observed: 16 variant alleles.
Comment: BS1, BS2, BP4

Blueprint Genetics
Classification: Likely benign. Last evaluated: 2024-11-25. Review status: criteria provided, single submitter. Criteria: ACMG Guidelines, 2015. Collection method: clinical testing. Allele origin: germline.

Illumina Laboratory Services, Illumina
Classification: Benign for Hermansky-Pudlak syndrome 3. Last evaluated: 2018-01-13. Review status: criteria provided, single submitter. Criteria: ICSL Variant Classification Criteria 13 December 2019. Collection method: clinical testing. Allele origin: germline.
Comment: This variant was observed in the ICSL laboratory as part of a predisposition screen in an ostensibly healthy population. It had not been previously curated by ICSL or reported in the Human Gene Mutation Database (HGMD: prior to June 1st, 2018), and was therefore a candidate for classification through an automated scoring system. Utilizing variant allele frequency, disease prevalence and penetrance estimates, and inheritance mode, an automated score was calculated to assess if this variant is too frequent to cause the disease. Based on the score and internal cut-off values, a variant classified as benign is not then subjected to further curation. The score for this variant resulted in a classification of benign for this disease.

Laboratory for Molecular Medicine, Mass General Brigham Personalized Medicine
Classification: Benign. Last evaluated: 2013-02-21. Review status: criteria provided, single submitter. Criteria: LMM Criteria. Collection method: clinical testing. Allele origin: germline. Observed: 1 variant allele.
Comment: Gly739Arg in exon 12 of HPS3: This variant is not expected to have clinical sign ificance because it has been identified in 1.6% (135/8600) of European American chromosomes from a broad population by the NHLBI Exome Sequencing Project (dbSNP rs78336249).

Breakthrough Genomics
Classification: Benign. Review status: criteria provided, single submitter. Criteria: ACMG Guidelines, 2015. Collection method: not provided. Allele origin: germline. Inheritance: Autosomal recessive inheritance. Affected: yes.

Natera, Inc.
Classification: Benign for Hermansky-Pudlak syndrome. Last evaluated: 2019-11-11. Review status: no assertion criteria provided. Collection method: clinical testing. Allele origin: germline. Not counted in ClinVar's aggregate classification.

NM_032383.5(HPS3):c.2215G>A (p.Gly739Arg)

Gene: HPS3 (HPS3 biogenesis of lysosomal organelles complex 2 subunit 1; plus strand). Cytogenetic location: 3q24.
Variant type: single nucleotide variant.
Coding change: c.2215G>A on transcript NM_032383.5 (MANE Select); coding-DNA position 2215, G replaced by A.
Protein change: p.Gly739Arg; replaces glycine 739 with arginine.
Molecular consequence: missense variant.
Genome position (GRCh38, 1-based): chr3:149,162,256, G>A. VCF-style: chr3-149162256-G-A. GRCh37 (hg19) VCF-style: chr3-148880043-G-A.
Other names: c.1720G>A, p.Gly574Arg (NM_001308258.2); short protein forms G739R, G574R.
Identifiers: ClinVar variation 226654 (VCV000226654.22), dbSNP rs78336249, ClinGen allele CA2660262.